The following is an entry in ClinVar:

ClinVar aggregate classification (germline): Uncertain significance (1 of 4 stars; one submission).

Conditions:
Cohen syndrome (COH1). Also called: PEPPER SYNDROME; Cutis verticis gyrata, retinitis pigmentosa, and sensorineural deafness. Identifiers: Orphanet 193, MedGen C0265223, MONDO:0008999, OMIM 216550.

Submission:

Labcorp Genetics (formerly Invitae), Labcorp
Classification: Uncertain significance for Cohen syndrome. Last evaluated: 2020-06-09. Review status: criteria provided, single submitter. Criteria: Invitae Variant Classification Sherloc (09022015). Collection method: clinical testing. Allele origin: germline.
Comment: In summary, the available evidence is currently insufficient to determine the role of this variant in disease. Therefore, it has been classified as a Variant of Uncertain Significance. Algorithms developed to predict the effect of missense changes on protein structure and function are either unavailable or do not agree on the potential impact of this missense change (SIFT: "Not Available"; PolyPhen-2: "Benign"; Align-GVGD: "Not Available"). This variant has not been reported in the literature in individuals with VPS13B-related conditions. This variant is not present in population databases (ExAC no frequency). This sequence change replaces arginine with serine at codon 1608 of the VPS13B protein (p.Arg1608Ser). The arginine residue is weakly conserved and there is a moderate physicochemical difference between arginine and serine.

NM_152564.5(VPS13B):c.4749A>C (p.Arg1583Ser)

Gene: VPS13B (vacuolar protein sorting 13 homolog B; plus strand). Cytogenetic location: 8q22.2.
Variant type: single nucleotide variant.
Coding change: c.4749A>C on transcript NM_152564.5 (MANE Select); coding-DNA position 4749, A replaced by C.
Protein change: p.Arg1583Ser; replaces arginine 1583 with serine.
Molecular consequence: missense variant.
Genome position (GRCh38, 1-based): chr8:99,556,453, A>C. VCF-style: chr8-99556453-A-C. GRCh37 (hg19) VCF-style: chr8-100568681-A-C.
Other names: c.4824A>C, p.Arg1608Ser (NM_017890.5); short protein forms R1583S, R1608S.
Identifiers: ClinVar variation 1016137 (VCV001016137.7), dbSNP rs1824571515, ClinGen allele CA371868767.